The following is an entry in ClinVar:

ClinVar aggregate classification (germline): Uncertain significance. Review status: criteria provided, multiple submitters, no conflicts (2 of 4 stars). 2 submissions from 2 submitters: Uncertain significance (2). Last evaluated 2024-02-24.

Conditions:
Jeune thoracic dystrophy. Also called: Infantile thoracic dystrophy; Thoracic pelvic phalangeal dystrophy; Jeune's syndrome; Chondroectodermal dysplasia-like syndrome; Jeune syndrome; Short-rib thoracic dysplasia. Identifiers: Orphanet 474, MedGen C0265275, MONDO:0018770.

Allele frequency attached by ClinVar (database versions not stated): gnomAD 0.00001; gnomAD exomes 0.00001; TOPMed 0.00002.
gnomAD v4.1: 10 of 1,370,668 alleles (0.00073%); highest among the groups gnomAD compares: Non-Finnish European, 0.00088%; no homozygotes.

Submissions (2):

Labcorp Genetics (formerly Invitae), Labcorp
Classification: Uncertain significance for Jeune thoracic dystrophy. Last evaluated: 2024-02-24. Review status: criteria provided, single submitter. Criteria: Invitae Variant Classification Sherloc (09022015). Collection method: clinical testing. Allele origin: germline.
Comment: This sequence change falls in intron 29 of the DYNC2H1 gene. It does not directly change the encoded amino acid sequence of the DYNC2H1 protein. It affects a nucleotide within the consensus splice site. This variant is present in population databases (rs749681136, gnomAD 0.002%). This variant has not been reported in the literature in individuals affected with DYNC2H1-related conditions. ClinVar contains an entry for this variant (Variation ID: 1463084). Variants that disrupt the consensus splice site are a relatively common cause of aberrant splicing (PMID: 17576681, 9536098). Algorithms developed to predict the effect of sequence changes on RNA splicing suggest that this variant is not likely to affect RNA splicing. In summary, the available evidence is currently insufficient to determine the role of this variant in disease. Therefore, it has been classified as a Variant of Uncertain Significance.

Blueprint Genetics
Classification: Uncertain significance. Last evaluated: 2021-04-26. Review status: criteria provided, single submitter. Criteria: ACMG Guidelines, 2015. Collection method: clinical testing. Allele origin: germline.

Literature cited by the submitters: PubMed 17576681 (cited by Labcorp Genetics (formerly Invitae), Labcorp); PubMed 9536098 (cited by Labcorp Genetics (formerly Invitae), Labcorp).

NM_001377.3(DYNC2H1):c.4491+5G>A

Gene: DYNC2H1 (dynein cytoplasmic 2 heavy chain 1; plus strand). Cytogenetic location: 11q22.3.
Variant type: single nucleotide variant.
Coding change: c.4491+5G>A on transcript NM_001377.3 (MANE Select); 5 bases into the intron after coding-DNA position 4491, G replaced by A.
Molecular consequence: intron variant.
Genome position (GRCh38, 1-based): chr11:103,161,049, G>A. VCF-style: chr11-103161049-G-A. GRCh37 (hg19) VCF-style: chr11-103031778-G-A.
Other names: c.4491+5G>A (NM_001080463.2).
Identifiers: ClinVar variation 1463084 (VCV001463084.6), dbSNP rs749681136, ClinGen allele CA6253564.